The following is an entry in ClinVar:

ClinVar aggregate classification (germline): Likely benign (1 of 4 stars; one submission).

Submission:

CeGaT Center for Human Genetics Tuebingen
Classification: Likely benign. Last evaluated: 2025-12-01. Review status: criteria provided, single submitter. Criteria: CeGaT Center For Human Genetics Tuebingen Variant Classification Criteria Version 2. Collection method: clinical testing. Allele origin: germline. Affected: yes. Observed: 9 variant alleles.
Comment: CPHXL: BS2

NM_001355613.1(CPHXL):c.13G>A (p.Gly5Ser)

Gene: CPHXL (cytoplasmic polyadenylated homeobox like; minus strand). Cytogenetic location: 16q23.1.
Variant type: single nucleotide variant.
Coding change: c.13G>A on transcript NM_001355613.1 (MANE Select); coding-DNA position 13, G replaced by A.
Protein change: p.Gly5Ser; replaces glycine 5 with serine.
Molecular consequence: missense variant.
Genome position (GRCh38, 1-based): chr16:75,726,430, C>T on the plus strand (G>A on the coding strand, the complement: CPHXL is on the minus strand). VCF-style: chr16-75726430-C-T. GRCh37 (hg19) VCF-style: chr16-75760328-C-T.
Other names: short protein forms G5S.
Identifiers: ClinVar variation 3341820 (VCV003341820.16).
Genomic context (GRCh38, chr16:75,726,430, plus strand): 5'-AAAGCAAGGGAAGTAGCATTGTAAGAGAAAAAGCTGATGGGAACTTACCACCTGAAGTGC[C>T]GTCCAAATTCATCTTGGGGTAGAAGACCTGGACTTCACGGAGACCAGCAAGCAACTGAGA-3'
Protein context (NP_001342542.1, residues 1-15): MNLD[Gly5Ser]TSGGFPAEED